The following is an entry in ClinVar:

NM_000388.4(CASR):c.1941C>A (p.Asn647Lys)

Gene: CASR (calcium sensing receptor; plus strand). Cytogenetic location: 3q21.1.
Variant type: single nucleotide variant.
Coding change: c.1941C>A on transcript NM_000388.4 (MANE Select); coding-DNA position 1941, C replaced by A.
Protein change: p.Asn647Lys; replaces asparagine 647 with lysine.
Molecular consequence: missense variant.
Genome position (GRCh38, 1-based): chr3:122,283,895, C>A. VCF-style: chr3-122283895-C-A. GRCh37 (hg19) VCF-style: chr3-122002742-C-A.
Other names: c.1971C>A, p.Asn657Lys (NM_001178065.2); short protein forms N647K, N657K.
Identifiers: ClinVar variation 2949643 (VCV002949643.3), dbSNP rs2074925635, ClinGen allele CA354158079.

ClinVar aggregate classification (germline): Uncertain significance (1 of 4 stars; one submission).

Conditions:
Autosomal dominant hypocalcemia 1 (HYPOC1). Also called: HYPOCALCEMIA, FAMILIAL. Identifiers: MedGen C3715128, MONDO:0011013, OMIM 601198.
Familial hypocalciuric hypercalcemia (FHH). Also called: Familial benign hypercalcemia. Identifiers: Orphanet 405, MedGen C1809471, MONDO:0018458.

Submission:

Labcorp Genetics (formerly Invitae), Labcorp
Classification: Uncertain significance for Familial hypocalciuric hypercalcemia; Autosomal dominant hypocalcemia 1. Last evaluated: 2025-09-23. Review status: criteria provided, single submitter. Criteria: Invitae Variant Classification Sherloc (09022015). Collection method: clinical testing. Allele origin: germline.
Comment: This sequence change replaces asparagine, which is neutral and polar, with lysine, which is basic and polar, at codon 647 of the CASR protein (p.Asn647Lys). This variant is not present in population databases (gnomAD no frequency). This variant has not been reported in the literature in individuals affected with CASR-related conditions. ClinVar contains an entry for this variant (Variation ID: 2949643). An algorithm developed to predict the effect of missense changes on protein structure and function (PolyPhen-2) suggests that this variant is likely to be disruptive. In summary, the available evidence is currently insufficient to determine the role of this variant in disease. Therefore, it has been classified as a Variant of Uncertain Significance.